The following is an entry in ClinVar:

ClinVar aggregate classification (germline): Uncertain significance (1 of 4 stars; one submission).

gnomAD v4.1: 3 of 1,614,018 alleles (0.00019%); highest among the groups gnomAD compares: South Asian, 0.0011%; no homozygotes.

Submission:

GeneDx
Classification: Uncertain significance. Last evaluated: 2025-07-09. Review status: criteria provided, single submitter. Criteria: GeneDx Variant Classification Process June 2021. Collection method: clinical testing. Allele origin: germline. Affected: yes.
Comment: Not observed at significant frequency in large population cohorts (gnomAD); In silico analysis suggests that this missense variant does not alter protein structure/function; Has not been previously published as pathogenic or benign to our knowledge

NM_000069.3(CACNA1S):c.2971G>T (p.Val991Leu)

Gene: CACNA1S (calcium voltage-gated channel subunit alpha1 S; minus strand). Cytogenetic location: 1q32.1.
Variant type: single nucleotide variant.
Coding change: c.2971G>T on transcript NM_000069.3 (MANE Select); coding-DNA position 2971, G replaced by T.
Protein change: p.Val991Leu; replaces valine 991 with leucine.
Molecular consequence: missense variant.
Genome position (GRCh38, 1-based): chr1:201,062,026, C>A on the plus strand (G>T on the coding strand, the complement: CACNA1S is on the minus strand). VCF-style: chr1-201062026-C-A. GRCh37 (hg19) VCF-style: chr1-201031154-C-A.
Other names: short protein forms V991L.
Identifiers: ClinVar variation 4685419 (VCV004685419.1).
Genomic context (GRCh38, chr1:201,062,026, plus strand): 5'-AGACCGTGAAGAGGGACATCATGGCTGAGAGCACATTGTCGAAGTGGAAGTCGCTGTGTA[C>A]CCACTCGCGGTGACGCAGCTCTATCTGCATGGGGTCCCCGTCCTTGTACACGTAGTAGTA-3'
Protein context (NP_000060.2, residues 981-1001): MQIELRHREW[Val991Leu]HSDFHFDNVL